The following is an entry in ClinVar:

ClinVar aggregate classification (germline): Conflicting classifications of pathogenicity. Review status: criteria provided, conflicting classifications (1 of 4 stars). 11 submissions from 10 submitters: Uncertain significance (6); Benign (1); Likely benign (3). 1 of the submissions does not count toward it. Last evaluated 2026-01-17.

Conditions:
TTC21B-related disorder. Also called: TTC21B-related condition; TTC21B-related disorders.
Jeune thoracic dystrophy. Also called: Jeune syndrome; Infantile thoracic dystrophy; Thoracic pelvic phalangeal dystrophy; Jeune's syndrome; Chondroectodermal dysplasia-like syndrome; Short-rib thoracic dysplasia. Identifiers: Orphanet 474, MedGen C0265275, MONDO:0018770.
Nephronophthisis. Also called: Juvenile Nephronophthisis. Identifiers: Orphanet 655, MedGen C0687120, MONDO:0019005, HP:0000090.
Nephronophthisis 12 (NPHP12). Identifiers: Orphanet 655, MedGen C3151186, MONDO:0013442, OMIM 613820.
Asphyxiating thoracic dystrophy 4 (SRTD4). Also called: SHORT-RIB THORACIC DYSPLASIA 4 WITH OR WITHOUT POLYDACTYLY; SHORT-RIB THORACIC DYSPLASIA 4. Identifiers: Orphanet 474, MedGen C3151185, MONDO:0013441, OMIM 613819.
Joubert syndrome 1 (JBTS1). Also called: Cerebellooculorenal syndrome 1; CEREBELLOPARENCHYMAL DISORDER IV. Identifiers: MedGen C4551568, MONDO:0008944, OMIM 213300.

Allele frequency attached by ClinVar (database versions not stated): gnomAD 0.00071 and 0.00074; TOPMed 0.00093; gnomAD exomes 0.00105; ExAC 0.00112; ESP Exome Variant Server 0.00115; 1000 Genomes Project 0.00140; 1000 Genomes Project 30x 0.00156.
gnomAD v4.1: 1,809 of 1,613,962 alleles (0.11%); highest among the groups gnomAD compares: Middle Eastern, 0.41%; 11 homozygotes.

Submissions (11):

Labcorp Genetics (formerly Invitae), Labcorp
Classification: Benign for Jeune thoracic dystrophy; Nephronophthisis. Last evaluated: 2026-01-17. Review status: criteria provided, single submitter. Criteria: Invitae Variant Classification Sherloc (09022015). Collection method: clinical testing. Allele origin: germline.

Blueprint Genetics
Classification: Likely benign. Last evaluated: 2024-11-21. Review status: criteria provided, single submitter. Criteria: ACMG Guidelines, 2015. Collection method: clinical testing. Allele origin: germline.

CeGaT Center for Human Genetics Tuebingen
Classification: Likely benign. Last evaluated: 2023-10-01. Review status: criteria provided, single submitter. Criteria: CeGaT Center For Human Genetics Tuebingen Variant Classification Criteria Version 2. Collection method: clinical testing. Allele origin: germline. Affected: yes. Observed: 1 variant allele.
Comment: TTC21B: BP4

GeneDx
Classification: Likely benign. Last evaluated: 2021-02-01. Review status: criteria provided, single submitter. Criteria: GeneDx Variant Classification Process June 2021. Collection method: clinical testing. Allele origin: germline. Affected: yes.
Comment: This variant is associated with the following publications: (PMID: 26940125, 21258341, 27884173, 30037327)

Mendelics
Classification: Uncertain significance for Joubert syndrome 1. Last evaluated: 2019-05-28. Review status: criteria provided, single submitter. Criteria: Mendelics Assertion Criteria 2017. Collection method: clinical testing. Allele origin: unknown.

ARUP Laboratories, Molecular Genetics and Genomics, ARUP Laboratories
Classification: Uncertain significance. Last evaluated: 2018-02-16. Review status: criteria provided, single submitter. Criteria: ARUP Molecular Germline Variant Investigation Process. Collection method: clinical testing. Allele origin: germline.
Comment: The c.691A>T; p.Thr231Ser variant has been reported in the heterozygous state in 8 patients diagnosed with a range of ciliopathies, including Jeune asphyxiating thoracic dystrophy (JATD), Meckel-Gruber Syndrome (MKS), Bardet-Biedl syndrome (BBS - 4 individuals), and nephronophthisis (NPHP - 2 individuals) (Davis 2011). The results of functional studies in zebrafish embryos and human cell lines resulted in this variant being classified as a hypomorphic allele (Davis 2011). It is classified as a variant of unknown significance in ClinVar (ID: 198257). However, this variant is listed in the genome Aggregation Database (gnomAD) with an overall population frequency of 0.1% (identified on 280 out of 277,060 chromosomes, including 2 homozygotes), and was found in the Saudi Human Genome Program with a population frequency of 1.5% (identified on 53 out of 3504 chromosomes, including 2 homozygotes) (Abouelhoda 2016). This variant was also reported in a patient with Alport syndrome who also carried two pathogenic variants in the COL4A3 gene (Bullich 2017). The threonine at position 231 is moderately conserved, considering 11 species, and computational analyses of the effects of the p.Thr231Ser variant on protein structure and function do not predict a deleterious effect (SIFT: tolerated, PolyPhen-2: benign). Although population frequencies argue against pathogenicity, the clinical significance of the p.Thr231Ser variant cannot be determined with certainty.

Illumina Laboratory Services, Illumina
Classification: Uncertain significance for Asphyxiating thoracic dystrophy 4. Last evaluated: 2017-04-27. Review status: criteria provided, single submitter. Criteria: ICSL Variant Classification Criteria 13 December 2019. Collection method: clinical testing. Allele origin: germline.
Comment: This variant was observed as part of a predisposition screen in an ostensibly healthy population. A literature search was performed for the gene, cDNA change, and amino acid change (where applicable). Publications were found based on this search. However, the evidence from the literature, in combination with allele frequency data from public databases where available, was not sufficient to rule this variant in or out of causing disease. Therefore, this variant is classified as a variant of unknown significance.

Illumina Laboratory Services, Illumina
Classification: Uncertain significance for Nephronophthisis 12. Last evaluated: 2017-04-27. Review status: criteria provided, single submitter. Criteria: ICSL Variant Classification Criteria 13 December 2019. Collection method: clinical testing. Allele origin: germline.
Comment: the same text as in the submission from Illumina Laboratory Services, Illumina above.

Genetic Services Laboratory, University of Chicago
Classification: Uncertain significance. Last evaluated: 2017-04-17. Review status: criteria provided, single submitter. Criteria: ACMG Guidelines, 2015. Collection method: clinical testing. Allele origin: germline. Affected: no.

Eurofins Ntd Llc (ga)
Classification: Uncertain significance. Last evaluated: 2015-02-12. Review status: criteria provided, single submitter. Criteria: EGL Classification Definitions 2015. Collection method: clinical testing. Allele origin: germline. Observed: 1 variant allele, 1 heterozygote.

PreventionGenetics, part of Exact Sciences
Classification: Likely benign for TTC21B-related condition. Last evaluated: 2022-07-07. Review status: no assertion criteria provided. Collection method: clinical testing. Allele origin: germline. Not counted in ClinVar's aggregate classification.
Comment: This variant is classified as likely benign based on ACMG/AMP sequence variant interpretation guidelines (Richards et al. 2015 PMID: 25741868, with internal and published modifications).

Literature cited by the submitters: PubMed 21258341 (cited by Illumina Laboratory Services, Illumina).

NM_024753.5(TTC21B):c.691A>T (p.Thr231Ser)

Genes: TTC21B (tetratricopeptide repeat domain 21B; minus strand), TTC21B-AS1 (TTC21B antisense RNA 1; plus strand). Cytogenetic location: 2q24.3.
Variant type: single nucleotide variant.
Coding change: c.691A>T on transcript NM_024753.5 (MANE Select); coding-DNA position 691, A replaced by T.
Protein change: p.Thr231Ser; replaces threonine 231 with serine.
Molecular consequence: missense variant.
Genome position (GRCh38, 1-based): chr2:165,941,046, T>A on the plus strand (A>T on the coding strand, the complement: TTC21B is on the minus strand). VCF-style: chr2-165941046-T-A. GRCh37 (hg19) VCF-style: chr2-166797556-T-A.
Other names: short protein forms T231S.
Identifiers: ClinVar variation 198257 (VCV000198257.58), dbSNP rs149925563, ClinGen allele CA246806.